The following is an entry in ClinVar:

NM_001374828.1(ARID1B):c.5867_5870delinsTCA (p.His1956fs)

Gene: ARID1B (AT-rich interaction domain 1B; plus strand). Cytogenetic location: 6q25.3.
Variant type: Indel.
Coding change: c.5867_5870delinsTCA on transcript NM_001374828.1 (MANE Select); coding-DNA positions 5867 to 5870, ACTT replaced by TCA.
Protein change: p.His1956fs; shifts the reading frame from histidine 1956.
Molecular consequence: frameshift variant.
Genome position (GRCh38, 1-based): chr6:157,206,639-157,206,642, ACTT replaced by TCA. VCF-style: chr6-157206639-ACTT-TCA. GRCh37 (hg19) VCF-style: chr6-157527773-ACTT-TCA.
Other names: c.3368_3371delinsTCA, p.His1123fs (NM_001363725.2); c.5747_5750delinsTCA, p.His1916fs (NM_001371656.1, NM_001374820.1); c.5996_5999delinsTCA, p.His1999fs (NM_001438482.1); c.5909_5912delinsTCA, p.His1970fs (NM_001438483.1); c.5777_5780delinsTCA, p.His1926fs (NM_001438485.1); c.5750_5753delinsTCA, p.His1917fs (NM_001438486.1); c.5687_5690delinsTCA, p.His1896fs (NM_001438487.1); c.3209_3212delinsTCA, p.His1070fs (NM_001438488.1); and 1 more; short protein forms H1070fs, H1123fs, H1896fs, H1903fs, H1916fs, H1917fs, H1926fs, H1956fs.
Identifiers: ClinVar variation 4291804 (VCV004291804.1).

ClinVar aggregate classification (germline): Likely pathogenic (1 of 4 stars; one submission).

Conditions:
Coffin-Siris syndrome 1 (CSS1). Also called: ARID1B-Related Coffin-Siris Syndrome; Mental retardation, autosomal dominant 12. Identifiers: Orphanet 1465, MedGen C3281201, MONDO:0007617, OMIM 135900. Disease mechanism: gain of function.

Submission:

3billion
Classification: Likely pathogenic for Coffin-Siris syndrome 1. Last evaluated: 2024-09-24. Review status: criteria provided, single submitter. Criteria: ACMG Guidelines, 2015. Collection method: clinical testing. Allele origin: germline. Affected: yes.
Comment: The variant is not observed in the gnomAD v4.0.0 dataset. Predicted Consequence/Location: Frameshift: predicted to result in a loss or disruption of normal protein function through protein truncation. The predicted truncated protein may be shortened by more than 10%. Therefore, this variant is classified as Likely pathogenic according to the recommendation of ACMG/AMP guideline.